The following is an entry in ClinVar:

ClinVar aggregate classification (germline): Uncertain significance (1 of 4 stars; one submission).

Conditions:
Cardiovascular phenotype. Identifiers: MedGen CN230736.

Allele frequency attached by ClinVar (database versions not stated): TOPMed below 0.00001.
gnomAD v4.1: 1 of 1,326,516 alleles (0.000075%); no homozygotes.

Submission:

Ambry Genetics
Classification: Uncertain significance for Cardiovascular phenotype. Last evaluated: 2020-12-15. Review status: criteria provided, single submitter. Criteria: Ambry Variant Classification Scheme 2023. Collection method: clinical testing. Allele origin: germline.
Comment: The p.P111L variant (also known as c.332C>T), located in coding exon 1 of the GATA4 gene, results from a C to T substitution at nucleotide position 332. The proline at codon 111 is replaced by leucine, an amino acid with similar properties. This amino acid position is highly conserved in available vertebrate species. In addition, the in silico prediction for this alteration is inconclusive. Since supporting evidence is limited at this time, the clinical significance of this alteration remains unclear.

NM_001308093.3(GATA4):c.332C>T (p.Pro111Leu)

Gene: GATA4 (GATA binding protein 4). Cytogenetic location: 8p23.1.
Variant type: single nucleotide variant.
Coding change: c.332C>T on transcript NM_001308093.3 (MANE Select); coding-DNA position 332, C replaced by T.
Protein change: p.Pro111Leu; replaces proline 111 with leucine.
Molecular consequence: missense variant. On other transcripts: intron variant (3).
Genome position (GRCh38, 1-based): chr8:11,708,644, C>T. VCF-style: chr8-11708644-C-T. GRCh37 (hg19) VCF-style: chr8-11566153-C-T.
Other names: c.332C>T, p.Pro111Leu (NM_002052.5); c.-6+7866C>T (NM_001308094.2); c.-3+630C>T (NM_001374274.1); c.-3+4340C>T (NM_001374273.1); short protein forms P111L.
Identifiers: ClinVar variation 1730291 (VCV001730291.2), dbSNP rs1800011133, ClinGen allele CA370309410.